The following is an entry in ClinVar:

NM_001371928.1(AHDC1):c.2111_2112dup (p.Val705fs)

Gene: AHDC1 (AT-hook DNA binding motif containing 1; minus strand). Cytogenetic location: 1p36.11.
Variant type: Duplication.
Coding change: c.2111_2112dup on transcript NM_001371928.1 (MANE Select); coding-DNA positions 2111 to 2112, 2 bases duplicated (TG; older notation c.2111_2112dupTG).
Protein change: p.Val705fs; shifts the reading frame from valine 705.
Molecular consequence: frameshift variant.
Genome position (GRCh38, 1-based): chr1:27,550,004-27,550,005, CA duplicated on the plus strand (TG on the coding strand, the reverse complement: AHDC1 is on the minus strand); duplicating any 2 consecutive bases within chr1:27,550,004-27,550,006 gives the same sequence; the c. name uses the placement nearest the transcript's 3' end. VCF-style (leftmost placement, unchanged base first): chr1-27550003-C-CCA. GRCh37 (hg19) VCF-style: chr1-27876514-C-CCA.
Other names: c.2111_2112dup, p.Val705fs (NM_001029882.3); short protein forms V705fs.
Identifiers: ClinVar variation 1433194 (VCV001433194.6), dbSNP rs2148280961, ClinGen allele CA2573132237.

ClinVar aggregate classification (germline): Pathogenic (1 of 4 stars; one submission).

Submission:

Labcorp Genetics (formerly Invitae), Labcorp
Classification: Pathogenic. Last evaluated: 2022-01-26. Review status: criteria provided, single submitter. Criteria: Invitae Variant Classification Sherloc (09022015). Collection method: clinical testing. Allele origin: germline.
Comment: For these reasons, this variant has been classified as Pathogenic. Algorithms developed to predict the effect of sequence changes on RNA splicing suggest that this variant may create or strengthen a splice site. This variant has not been reported in the literature in individuals affected with AHDC1-related conditions. This variant is not present in population databases (gnomAD no frequency). This sequence change creates a premature translational stop signal (p.Val705Trpfs*28) in the AHDC1 gene. It is expected to result in an absent or disrupted protein product. Loss-of-function variants in AHDC1 are known to be pathogenic (PMID: 24791903, 27148574).

Literature cited by the submitters: PubMed 24791903; PubMed 27148574.